The following is an entry in ClinVar:

ClinVar aggregate classification (germline): Uncertain significance (1 of 4 stars; one submission).

Conditions:
SLIT3-related disorder. Also called: SLIT3-related condition.

Submission:

PreventionGenetics, part of Exact Sciences
Classification: Uncertain significance for SLIT3-related condition. Last evaluated: 2025-03-24. Review status: criteria provided, single submitter. Criteria: ACMG Guidelines, 2015. Collection method: clinical testing. Allele origin: germline.
Comment: The SLIT3 c.2333C>A variant is predicted to result in the amino acid substitution p.Thr778Lys. To our knowledge, this variant has not been reported in the literature or in a large population database (gnomAD), indicating this variant is rare. At this time, the clinical significance of this variant is uncertain due to the absence of conclusive functional and genetic evidence.

NM_003062.4(SLIT3):c.2333C>A (p.Thr778Lys)

Gene: SLIT3 (slit guidance ligand 3; minus strand). Cytogenetic location: 5q34.
Variant type: single nucleotide variant.
Coding change: c.2333C>A on transcript NM_003062.4 (MANE Select); coding-DNA position 2333, C replaced by A.
Protein change: p.Thr778Lys; replaces threonine 778 with lysine.
Molecular consequence: missense variant.
Genome position (GRCh38, 1-based): chr5:168,724,422, G>T on the plus strand (C>A on the coding strand, the complement: SLIT3 is on the minus strand). VCF-style: chr5-168724422-G-T. GRCh37 (hg19) VCF-style: chr5-168151427-G-T.
Other names: c.2333C>A, p.Thr778Lys (NM_001271946.2); short protein forms T778K.
Identifiers: ClinVar variation 3034009 (VCV003034009.3), dbSNP rs144594798, ClinGen allele CA362099348.
Genomic context (GRCh38, chr5:168,724,422, plus strand): 5'-TGAGCGACCCCAGCAGGGAAAAATAAACATCCCACCCAATACTGGGCTCCTTACATAAGC[G>T]TCAGGTGTCGGAGGGCGGACAGCTCTCTGGGCACGGCTGTTAGGTGGTTTCCTTCCAGGT-3'
Protein context (NP_003053.2, residues 768-788): PRELSALRHL[Thr778Lys]LIDLSNNSIS